The following is an entry in ClinVar:

NM_000215.4(JAK3):c.528G>C (p.Glu176Asp)

Gene: JAK3 (Janus kinase 3; minus strand). Cytogenetic location: 19p13.11.
Variant type: single nucleotide variant.
Coding change: c.528G>C on transcript NM_000215.4 (MANE Select); coding-DNA position 528, G replaced by C.
Protein change: p.Glu176Asp; replaces glutamic acid 176 with aspartic acid.
Molecular consequence: missense variant.
Genome position (GRCh38, 1-based): chr19:17,843,065, C>G on the plus strand (G>C on the coding strand, the complement: JAK3 is on the minus strand). VCF-style: chr19-17843065-C-G. GRCh37 (hg19) VCF-style: chr19-17953874-C-G.
Other names: short protein forms E176D.
Identifiers: ClinVar variation 2781744 (VCV002781744.4), dbSNP rs770018197, ClinGen allele CA9302141.

ClinVar aggregate classification (germline): Uncertain significance. Review status: criteria provided, multiple submitters, no conflicts (2 of 4 stars). 2 submissions from 2 submitters: Uncertain significance (2). Last evaluated 2024-02-28.

Conditions:
T-B+ severe combined immunodeficiency due to JAK3 deficiency. Also called: SCID, T CELL-NEGATIVE, B CELL-POSITIVE, NK CELL-NEGATIVE; SCID, autosomal recessive, T-negative/B-positive type. Identifiers: Orphanet 35078, MedGen C1833275, MONDO:0010938, OMIM 600802.
Inborn genetic diseases. Identifiers: MedGen C0950123, MeSH D030342.

Allele frequency attached by ClinVar (database versions not stated): ExAC 0.00001.
gnomAD v4.1: 4 of 1,610,714 alleles (0.00025%); highest among the groups gnomAD compares: East Asian, 0.0089%; no homozygotes.

Submissions (2):

Ambry Genetics
Classification: Uncertain significance for Inborn genetic diseases. Last evaluated: 2024-02-28. Review status: criteria provided, single submitter. Criteria: Ambry Variant Classification Scheme 2023. Collection method: clinical testing. Allele origin: germline.

Labcorp Genetics (formerly Invitae), Labcorp
Classification: Uncertain significance for T-B+ severe combined immunodeficiency due to JAK3 deficiency. Last evaluated: 2022-11-22. Review status: criteria provided, single submitter. Criteria: Invitae Variant Classification Sherloc (09022015). Collection method: clinical testing. Allele origin: germline.
Comment: Advanced modeling of protein sequence and biophysical properties (such as structural, functional, and spatial information, amino acid conservation, physicochemical variation, residue mobility, and thermodynamic stability) performed at Invitae indicates that this missense variant is not expected to disrupt JAK3 protein function. This sequence change replaces glutamic acid, which is acidic and polar, with aspartic acid, which is acidic and polar, at codon 176 of the JAK3 protein (p.Glu176Asp). This variant is present in population databases (rs770018197, gnomAD 0.02%). This variant has not been reported in the literature in individuals affected with JAK3-related conditions. In summary, the available evidence is currently insufficient to determine the role of this variant in disease. Therefore, it has been classified as a Variant of Uncertain Significance.